The following is an entry in ClinVar:

NM_001999.4(FBN2):c.1547G>A (p.Ser516Asn)

Gene: FBN2 (fibrillin 2; minus strand). Cytogenetic location: 5q23.3.
Variant type: single nucleotide variant.
Coding change: c.1547G>A on transcript NM_001999.4 (MANE Select); coding-DNA position 1547, G replaced by A.
Protein change: p.Ser516Asn; replaces serine 516 with asparagine.
Molecular consequence: missense variant.
Genome position (GRCh38, 1-based): chr5:128,392,074, C>T on the plus strand (G>A on the coding strand, the complement: FBN2 is on the minus strand). VCF-style: chr5-128392074-C-T. GRCh37 (hg19) VCF-style: chr5-127727767-C-T.
Other names: short protein forms S516N.
Identifiers: ClinVar variation 4746541 (VCV004746541.1).

ClinVar aggregate classification (germline): Uncertain significance (1 of 4 stars; one submission).

Conditions:
Congenital contractural arachnodactyly (CCA). Also called: BEALS SYNDROME; Arthrogryposis, distal, type 9; Beals-Hecht syndrome. Identifiers: Orphanet 115, MedGen C0220668, MONDO:0007363, OMIM 121050.

Submission:

Labcorp Genetics (formerly Invitae), Labcorp
Classification: Uncertain significance for Congenital contractural arachnodactyly. Last evaluated: 2025-07-29. Review status: criteria provided, single submitter. Criteria: Invitae Variant Classification Sherloc (09022015). Collection method: clinical testing. Allele origin: germline.
Comment: This sequence change replaces serine, which is neutral and polar, with asparagine, which is neutral and polar, at codon 516 of the FBN2 protein (p.Ser516Asn). This variant is not present in population databases (gnomAD no frequency). This variant has not been reported in the literature in individuals affected with FBN2-related conditions. Invitae Evidence Modeling of protein sequence and biophysical properties (such as structural, functional, and spatial information, amino acid conservation, physicochemical variation, residue mobility, and thermodynamic stability) indicates that this missense variant is not expected to disrupt FBN2 protein function with a negative predictive value of 80%. In summary, the available evidence is currently insufficient to determine the role of this variant in disease. Therefore, it has been classified as a Variant of Uncertain Significance.